The following is an entry in ClinVar:

NM_000388.4(CASR):c.1507del (p.Ile503fs)

Gene: CASR (calcium sensing receptor; plus strand). Cytogenetic location: 3q21.1.
Variant type: Deletion.
Coding change: c.1507del on transcript NM_000388.4 (MANE Select); coding-DNA position 1507, one base deleted (A; older notation c.1507delA).
Protein change: p.Ile503fs; shifts the reading frame from isoleucine 503.
Molecular consequence: frameshift variant.
Genome position (GRCh38, 1-based): chr3:122,275,941, A deleted. VCF-style (leftmost placement, unchanged base first): chr3-122275940-CA-C. GRCh37 (hg19) VCF-style: chr3-121994787-CA-C.
Other names: c.1507del, p.Ile503fs (NM_001178065.2); short protein forms I503fs.
Identifiers: ClinVar variation 1899865 (VCV001899865.5), dbSNP rs2473258053, ClinGen allele CA2580068796.

ClinVar aggregate classification (germline): Pathogenic (1 of 4 stars; one submission).

Conditions:
Familial hypocalciuric hypercalcemia (FHH). Also called: Familial benign hypercalcemia. Identifiers: Orphanet 405, MedGen C1809471, MONDO:0018458.
Autosomal dominant hypocalcemia 1 (HYPOC1). Also called: HYPOCALCEMIA, FAMILIAL. Identifiers: MedGen C3715128, MONDO:0011013, OMIM 601198.

Submission:

Labcorp Genetics (formerly Invitae), Labcorp
Classification: Pathogenic for Familial hypocalciuric hypercalcemia; Autosomal dominant hypocalcemia 1. Last evaluated: 2022-06-01. Review status: criteria provided, single submitter. Criteria: Invitae Variant Classification Sherloc (09022015). Collection method: clinical testing. Allele origin: germline.
Comment: This variant is not present in population databases (gnomAD no frequency). This variant has not been reported in the literature in individuals affected with CASR-related conditions. This variant disrupts a region of the CASR protein in which other variant(s) (Deletion of exons 6-7 and p.Arg886Pro) have been determined to be pathogenic (PMID: 11807402; Invitae). This suggests that this is a clinically significant region of the protein, and that variants that disrupt it are likely to be disease-causing. For these reasons, this variant has been classified as Pathogenic. This sequence change creates a premature translational stop signal (p.Ile503Serfs*124) in the CASR gene. While this is not anticipated to result in nonsense mediated decay, it is expected to disrupt the last 576 amino acid(s) of the CASR protein.

Literature cited by the submitters: PubMed 11807402.